The following is an entry in ClinVar:

ClinVar aggregate classification (germline): Benign/Likely benign. Review status: criteria provided, multiple submitters, no conflicts (2 of 4 stars). 2 submissions from 2 submitters: Benign (1); Likely benign (1). Last evaluated 2023-09-10.

Conditions:
Neuropathy, hereditary sensory and autonomic, type 2A (HSAN2A). Also called: ACROOSTEOLYSIS, GIACCAI TYPE; ACROOSTEOLYSIS, NEUROGENIC; HSAN IIA; WNK1-Related HSAN2 (HSAN2A); MORVAN DISEASE; NEUROPATHY, CONGENITAL SENSORY. Identifiers: Orphanet 970, MedGen C2752089, MONDO:0024309, OMIM 201300.
Pseudohypoaldosteronism type 2C (PHA2C). Also called: Pseudohypoaldosteronism Type IIC. Identifiers: Orphanet 757, Orphanet 88940, MedGen C1840391, MONDO:0013778, OMIM 614492.

Allele frequency attached by ClinVar (database versions not stated): TOPMed 0.00002; gnomAD 0.00003 and 0.00007; ExAC 0.00012; 1000 Genomes Project 30x 0.00047; 1000 Genomes Project 0.00060.
gnomAD v4.1: 204 of 1,613,948 alleles (0.013%); highest among the groups gnomAD compares: East Asian, 0.45%; 1 homozygote.

Submissions (2):

Labcorp Genetics (formerly Invitae), Labcorp
Classification: Likely benign for Neuropathy, hereditary sensory and autonomic, type 2A; Pseudohypoaldosteronism type 2C. Last evaluated: 2023-09-10. Review status: criteria provided, single submitter. Criteria: Invitae Variant Classification Sherloc (09022015). Collection method: clinical testing. Allele origin: germline.

Illumina Laboratory Services, Illumina
Classification: Benign for Pseudohypoaldosteronism type 2C. Last evaluated: 2018-01-13. Review status: criteria provided, single submitter. Criteria: ICSL Variant Classification Criteria 13 December 2019. Collection method: clinical testing. Allele origin: germline.
Comment: This variant was observed in the ICSL laboratory as part of a predisposition screen in an ostensibly healthy population. It had not been previously curated by ICSL or reported in the Human Gene Mutation Database (HGMD: prior to June 1st, 2018), and was therefore a candidate for classification through an automated scoring system. Utilizing variant allele frequency, disease prevalence and penetrance estimates, and inheritance mode, an automated score was calculated to assess if this variant is too frequent to cause the disease. Based on the score and internal cut-off values, a variant classified as benign is not then subjected to further curation. The score for this variant resulted in a classification of benign for this disease.

NM_018979.4(WNK1):c.5574A>T (p.Gly1858=)

Gene: WNK1 (WNK lysine deficient protein kinase 1; plus strand). Cytogenetic location: 12p13.33.
Variant type: single nucleotide variant.
Coding change: c.5574A>T on transcript NM_018979.4 (MANE Select); coding-DNA position 5574, A replaced by T.
Protein change: p.Gly1858=; no amino-acid change (glycine 1858 retained).
Molecular consequence: synonymous variant.
Genome position (GRCh38, 1-based): chr12:894,626, A>T. VCF-style: chr12-894626-A-T. GRCh37 (hg19) VCF-style: chr12-1003792-A-T.
Other names: c.6354A>T, p.Gly2118= (NM_001184985.2); c.4830A>T, p.Gly1610= (NM_014823.3); c.6330A>T, p.Gly2110= (NM_213655.5).
Identifiers: ClinVar variation 306609 (VCV000306609.13), dbSNP rs148254159, ClinGen allele CA6383230.
Genomic context (GRCh38, chr12:894,626, plus strand): 5'-TCAAGTCAAAGAAGGCCCTGTCCTAGCAACTAGTTCAGGAGCTGGTGTTTTTAAGATGGG[A>T]CGATTTCAGGTAAGACAGTCACTTTGTGTTGCCTTGATTCCTTCCTTTGGAGGAGTTGTC-3'
Protein context (NP_061852.3, residues 1848-1868): TSSGAGVFKM[Gly1858=]RFQVSVAADG